The following is an entry in ClinVar:

ClinVar aggregate classification (germline): Uncertain significance (1 of 4 stars; one submission).

Submission:

Ambry Genetics
Classification: Uncertain significance. Last evaluated: 2022-05-26. Review status: criteria provided, single submitter. Criteria: Ambry Variant Classification Scheme 2023. Collection method: clinical testing. Allele origin: germline.
Comment: The p.P155A variant (also known as c.463C>G), located in coding exon 3 of the ALPK2 gene, results from a C to G substitution at nucleotide position 463. The proline at codon 155 is replaced by alanine, an amino acid with highly similar properties. This amino acid position is conserved. In addition, this alteration is predicted to be tolerated by in silico analysis. Since supporting evidence is limited at this time, the clinical significance of this alteration remains unclear.

NM_052947.4(ALPK2):c.463C>G (p.Pro155Ala)

Gene: ALPK2 (alpha kinase 2; minus strand). Cytogenetic location: 18q21.31.
Variant type: single nucleotide variant.
Coding change: c.463C>G on transcript NM_052947.4 (MANE Select); coding-DNA position 463, C replaced by G.
Protein change: p.Pro155Ala; replaces proline 155 with alanine.
Molecular consequence: missense variant.
Genome position (GRCh38, 1-based): chr18:58,580,313, G>C on the plus strand (C>G on the coding strand, the complement: ALPK2 is on the minus strand). VCF-style: chr18-58580313-G-C. GRCh37 (hg19) VCF-style: chr18-56247545-G-C.
Other names: short protein forms P155A.
Identifiers: ClinVar variation 1742086 (VCV001742086.2), dbSNP rs781442098, ClinGen allele CA402567912.
Genomic context (GRCh38, chr18:58,580,313, plus strand): 5'-GGAGGGAGAGTGAATGGTTGGATTTGGAGGGGGAGGAGTCAGCTGACCTGGGAGTGCCCG[G>C]GGAGATGCTTTCTTCTTCCTTATAAGGATGTTCCTTCTCATCAATCTGATTTGCCCTTTC-3'
Protein context (NP_443179.3, residues 145-165): HPYKEEESIS[Pro155Ala]GTPRSADSSP